The following is an entry in ClinVar:

ClinVar aggregate classification (germline): Uncertain significance (1 of 4 stars; one submission).

Conditions:
Familial melanoma. Also called: Hereditary melanoma; Hereditary cutaneous melanoma. Identifiers: Orphanet 618, MedGen C1512419, MONDO:0018961.

Submission:

Labcorp Genetics (formerly Invitae), Labcorp
Classification: Uncertain significance for Familial melanoma. Last evaluated: 2025-03-28. Review status: criteria provided, single submitter. Criteria: Invitae Variant Classification Sherloc (09022015). Collection method: clinical testing. Allele origin: germline.
Comment: This sequence change replaces valine, which is neutral and non-polar, with leucine, which is neutral and non-polar, at codon 92 of the CDK4 protein (p.Val92Leu). This variant is not present in population databases (gnomAD no frequency). This variant has not been reported in the literature in individuals affected with CDK4-related conditions. Invitae Evidence Modeling of protein sequence and biophysical properties (such as structural, functional, and spatial information, amino acid conservation, physicochemical variation, residue mobility, and thermodynamic stability) indicates that this missense variant is expected to disrupt CDK4 protein function with a positive predictive value of 95%. In summary, the available evidence is currently insufficient to determine the role of this variant in disease. Therefore, it has been classified as a Variant of Uncertain Significance.

NM_000075.4(CDK4):c.274G>C (p.Val92Leu)

Gene: CDK4 (cyclin dependent kinase 4; minus strand). Cytogenetic location: 12q14.1.
Variant type: single nucleotide variant.
Coding change: c.274G>C on transcript NM_000075.4 (MANE Select); coding-DNA position 274, G replaced by C.
Protein change: p.Val92Leu; replaces valine 92 with leucine.
Molecular consequence: missense variant.
Genome position (GRCh38, 1-based): chr12:57,751,287, C>G on the plus strand (G>C on the coding strand, the complement: CDK4 is on the minus strand). VCF-style: chr12-57751287-C-G. GRCh37 (hg19) VCF-style: chr12-58145070-C-G.
Other names: short protein forms V92L.
Identifiers: ClinVar variation 4763857 (VCV004763857.1).